The following is an entry in ClinVar:

NM_006929.5(SKIC2):c.1249C>A (p.Leu417Met)

Genes: SKIC2 (SKI2 subunit of superkiller complex; plus strand), LOC126859653 (CDK7 strongly-dependent group 2 enhancer GRCh37_chr6:31929542-31930741; plus strand). Cytogenetic location: 6p21.33.
Variant type: single nucleotide variant.
Coding change: c.1249C>A on transcript NM_006929.5 (MANE Select); coding-DNA position 1249, C replaced by A.
Protein change: p.Leu417Met; replaces leucine 417 with methionine.
Molecular consequence: missense variant.
Genome position (GRCh38, 1-based): chr6:31,962,751, C>A. VCF-style: chr6-31962751-C-A. GRCh37 (hg19) VCF-style: chr6-31930528-C-A.
Other names: short protein forms L417M.
Identifiers: ClinVar variation 4725790 (VCV004725790.1).
Genomic context (GRCh38, chr6:31,962,751, plus strand): 5'-AATCCTTGGCCTCTTCTCCCCAGCTCCATGCTGTACAGTGGCTCAGATGTTATTCGGGAC[C>A]TGGAGTGGGTCATCTTTGATGAGGTTCACTATATCAACGATGTCGAGGTAAGGGCCATGG-3'
Protein context (NP_008860.4, residues 407-427): LYSGSDVIRD[Leu417Met]EWVIFDEVHY

ClinVar aggregate classification (germline): Uncertain significance (1 of 4 stars; one submission).

gnomAD v4.1: 1 of 1,612,842 alleles (0.000062%); highest among the groups gnomAD compares: Non-Finnish European, 0.000085%; no homozygotes.

Submission:

Labcorp Genetics (formerly Invitae), Labcorp
Classification: Uncertain significance. Last evaluated: 2025-08-20. Review status: criteria provided, single submitter. Criteria: Invitae Variant Classification Sherloc (09022015). Collection method: clinical testing. Allele origin: germline.
Comment: This sequence change replaces leucine, which is neutral and non-polar, with methionine, which is neutral and non-polar, at codon 417 of the SKIV2L protein (p.Leu417Met). This variant is present in population databases (rs748516211, gnomAD 0.0009%). This variant has not been reported in the literature in individuals affected with SKIV2L-related conditions. An algorithm developed to predict the effect of missense changes on protein structure and function (PolyPhen-2) suggests that this variant is likely to be disruptive. In summary, the available evidence is currently insufficient to determine the role of this variant in disease. Therefore, it has been classified as a Variant of Uncertain Significance.